The following is an entry in ClinVar:

ClinVar aggregate classification (germline): Uncertain significance. Review status: criteria provided, multiple submitters, no conflicts (2 of 4 stars). 2 submissions from 2 submitters: Uncertain significance (2). Last evaluated 2025-11-20.

Submissions (2):

Ambry Genetics
Classification: Uncertain significance. Last evaluated: 2025-11-20. Review status: criteria provided, single submitter. Criteria: Ambry Variant Classification Scheme 2023. Collection method: clinical testing. Allele origin: germline.

Greenwood Genetic Center Diagnostic Laboratories, Greenwood Genetic Center
Classification: Uncertain significance. Last evaluated: 2025-04-18. Review status: criteria provided, single submitter. Criteria: ACMG Guidelines, 2015. Collection method: clinical testing. Allele origin: germline. Affected: yes.
Comment: Gene of Uncertain Significance

NM_032776.3(JMJD1C):c.2920T>A (p.Ser974Thr)

Gene: JMJD1C (jumonji domain containing 1C; minus strand). Cytogenetic location: 10q21.3.
Variant type: single nucleotide variant.
Coding change: c.2920T>A on transcript NM_032776.3 (MANE Select); coding-DNA position 2920, T replaced by A.
Protein change: p.Ser974Thr; replaces serine 974 with threonine.
Molecular consequence: missense variant. On other transcripts: non-coding transcript variant (1).
Genome position (GRCh38, 1-based): chr10:63,208,749, A>T on the plus strand (T>A on the coding strand, the complement: JMJD1C is on the minus strand). VCF-style: chr10-63208749-A-T. GRCh37 (hg19) VCF-style: chr10-64968509-A-T.
Other names: c.2920T>A (NM_032776.1); c.2374T>A, p.Ser792Thr (NM_001282948.2, NM_001318154.2); c.2056T>A, p.Ser686Thr (NM_001318153.2); c.2806T>A, p.Ser936Thr (NM_001322252.2); c.2263T>A, p.Ser755Thr (NM_001322254.2, NM_001322258.2); short protein forms S686T, S755T, S792T, S936T, S974T.
Identifiers: ClinVar variation 4538368 (VCV004538368.2).